The following is an entry in ClinVar:

ClinVar aggregate classification (germline): Conflicting classifications of pathogenicity. Review status: criteria provided, conflicting classifications (1 of 4 stars). 3 submissions from 3 submitters: Uncertain significance (2); Likely benign (1). Last evaluated 2023-03-23.

Conditions:
Hereditary cancer-predisposing syndrome. Also called: Neoplastic Syndromes, Hereditary; Hereditary Cancer Syndrome; Tumor predisposition; Hereditary neoplastic syndrome. Identifiers: Orphanet 140162, MedGen C0027672, MeSH D009386, MONDO:0015356.
Hereditary breast ovarian cancer syndrome. Also called: BRCA1- and BRCA2-Associated Hereditary Breast and Ovarian Cancer; Hereditary breast and ovarian cancer; Hereditary breast and ovarian cancer syndrome; Hereditary breast and/or ovarian cancer syndrome; Hereditary breast and ovarian cancer syndrome (HBOC); Breast and ovarian cancer. Identifiers: Orphanet 145, MedGen C0677776, MeSH D061325, MONDO:0003582. Disease mechanism: loss of function.

Submissions (3):

University of Washington Department of Laboratory Medicine, University of Washington
Classification: Likely benign for Hereditary cancer-predisposing syndrome. Last evaluated: 2023-03-23. Review status: criteria provided, single submitter. Criteria: Dines et al. (Genet Med. 2020). Collection method: curation. Allele origin: germline.
Comment: Missense variant in a coldspot region where missense variants are very unlikely to be pathogenic (PMID:31911673).

BRCA2 exon 11 coldspot. Reclassification based on statistical prior probability.

Labcorp Genetics (formerly Invitae), Labcorp
Classification: Uncertain significance for Hereditary breast ovarian cancer syndrome. Last evaluated: 2019-10-21. Review status: criteria provided, single submitter. Criteria: Invitae Variant Classification Sherloc (09022015). Collection method: clinical testing. Allele origin: germline.
Comment: In summary, the available evidence is currently insufficient to determine the role of this variant in disease. Therefore, it has been classified as a Variant of Uncertain Significance. This sequence change replaces valine with glutamic acid at codon 1610 of the BRCA2 protein (p.Val1610Glu). The valine residue is weakly conserved and there is a moderate physicochemical difference between valine and glutamic acid. This variant is not present in population databases (ExAC no frequency). This variant has not been reported in the literature in individuals with BRCA2-related conditions. Algorithms developed to predict the effect of missense changes on protein structure and function output the following: SIFT: "Tolerated"; PolyPhen-2: "Benign"; Align-GVGD: "Class C0". The glutamic acid amino acid residue is found in multiple mammalian species, suggesting that this missense change does not adversely affect protein function. These predictions have not been confirmed by published functional studies and their clinical significance is uncertain.

Genetic Services Laboratory, University of Chicago
Classification: Uncertain significance. Last evaluated: 2017-12-12. Review status: criteria provided, single submitter. Criteria: ACMG Guidelines, 2015. Collection method: clinical testing. Allele origin: germline. Affected: no.

NM_000059.4(BRCA2):c.4829T>A (p.Val1610Glu)

Gene: BRCA2 (BRCA2 DNA repair associated; plus strand). Cytogenetic location: 13q13.1.
Variant type: single nucleotide variant.
Coding change: c.4829T>A on transcript NM_000059.4 (MANE Select); coding-DNA position 4829, T replaced by A.
Protein change: p.Val1610Glu; replaces valine 1610 with glutamic acid.
Molecular consequence: missense variant.
Genome position (GRCh38, 1-based): chr13:32,339,184, T>A. VCF-style: chr13-32339184-T-A. GRCh37 (hg19) VCF-style: chr13-32913321-T-A.
Other names: short protein forms V1610E.
Identifiers: ClinVar variation 968799 (VCV000968799.14), dbSNP rs2072513765, ClinGen allele CA387783316.